The following is an entry in ClinVar:

NM_000088.4(COL1A1):c.3878T>C (p.Met1293Thr)

Gene: COL1A1 (collagen type I alpha 1 chain; minus strand). Cytogenetic location: 17q21.33.
Variant type: single nucleotide variant.
Coding change: c.3878T>C on transcript NM_000088.4 (MANE Select); coding-DNA position 3878, T replaced by C.
Protein change: p.Met1293Thr; replaces methionine 1293 with threonine.
Molecular consequence: missense variant.
Genome position (GRCh38, 1-based): chr17:50,186,444, A>G on the plus strand (T>C on the coding strand, the complement: COL1A1 is on the minus strand). VCF-style: chr17-50186444-A-G. GRCh37 (hg19) VCF-style: chr17-48263805-A-G.
Other names: short protein forms M1293T.
Identifiers: ClinVar variation 1954680 (VCV001954680.5), dbSNP rs1252529876, ClinGen allele CA400193697.

ClinVar aggregate classification (germline): Uncertain significance (1 of 4 stars; one submission).

Conditions:
Osteogenesis imperfecta type I (OI1). Also called: OI, TYPE I; OSTEOGENESIS IMPERFECTA TARDA; OSTEOGENESIS IMPERFECTA WITH BLUE SCLERAE; Lobstein's Disease; Classic Non-deforming Osteogenesis Imperfecta with Blue Sclerae; Lobstein disease. Identifiers: Orphanet 216796, Orphanet 666, MedGen C0023931, MONDO:0008146, OMIM 166200. Disease mechanism: loss of function.

Allele frequency attached by ClinVar (database versions not stated): gnomAD 0.00001.

Submission:

Labcorp Genetics (formerly Invitae), Labcorp
Classification: Uncertain significance for Osteogenesis imperfecta type I. Last evaluated: 2022-10-04. Review status: criteria provided, single submitter. Criteria: Invitae Variant Classification Sherloc (09022015). Collection method: clinical testing. Allele origin: germline.
Comment: This sequence change replaces methionine, which is neutral and non-polar, with threonine, which is neutral and polar, at codon 1293 of the COL1A1 protein (p.Met1293Thr). This variant is present in population databases (no rsID available, gnomAD 0.007%). This variant has not been reported in the literature in individuals affected with COL1A1-related conditions. Advanced modeling of protein sequence and biophysical properties (such as structural, functional, and spatial information, amino acid conservation, physicochemical variation, residue mobility, and thermodynamic stability) performed at Invitae indicates that this missense variant is expected to disrupt COL1A1 protein function. In summary, the available evidence is currently insufficient to determine the role of this variant in disease. Therefore, it has been classified as a Variant of Uncertain Significance.